The following is an entry in ClinVar:

ClinVar aggregate classification (germline): Benign/Likely benign. Review status: criteria provided, multiple submitters, no conflicts (2 of 4 stars). 3 submissions from 3 submitters: Benign (2); Likely benign (1). Last evaluated 2025-12-03.

Conditions:
Osteogenesis imperfecta type I (OI1). Also called: Classic Non-deforming Osteogenesis Imperfecta with Blue Sclerae; OI, TYPE I; OSTEOGENESIS IMPERFECTA TARDA; OSTEOGENESIS IMPERFECTA WITH BLUE SCLERAE; Lobstein's Disease; Lobstein disease. Identifiers: Orphanet 216796, Orphanet 666, MedGen C0023931, MONDO:0008146, OMIM 166200. Disease mechanism: loss of function.
Ehlers-Danlos syndrome, classic type, 1 (EDSCL1). Also called: Ehlers-Danlos Syndrome, Classic Type, COL5A1-Related; EHLERS-DANLOS SYNDROME, GRAVIS TYPE; EHLERS-DANLOS SYNDROME, SEVERE CLASSIC TYPE; Ehlers-Danlos syndrome, type 1; EDS I. Identifiers: MedGen C0268335, MONDO:0019567, OMIM 130000.

Submissions (3):

Women's Health and Genetics/Laboratory Corporation of America, LabCorp
Classification: Benign. Last evaluated: 2025-12-03. Review status: criteria provided, single submitter. Criteria: LabCorp Variant Classification Summary - May 2015. Collection method: clinical testing. Allele origin: germline.
Comment: Variant summary: COL1A2 c.71-8_71-7dupTT alters a nucleotide located at a position not widely known to affect splicing. Consensus agreement among computation tools predict no significant impact on normal splicing. However, these predictions have yet to be confirmed by functional studies. The variant allele was found at a frequency of 0.0023 in 1128838 control chromosomes, predominantly at a frequency of 0.0031 within the Ashkenazi Jewish subpopulation in the gnomAD v4 database. The observed variant frequency within Ashkenazi Jewish control individuals in the gnomAD database exceeds the estimated maximal expected allele frequency for disease-causing variants in COL1A2. To our knowledge, no occurrence of c.71-8_71-7dupTT in individuals affected with COL1A2-related conditions and no experimental evidence demonstrating its impact on protein function have been reported. ClinVar contains an entry for this variant (Variation ID: 1639037). Based on the evidence outlined above, the variant was classified as benign.

Blueprint Genetics
Classification: Likely benign. Last evaluated: 2024-11-26. Review status: criteria provided, single submitter. Criteria: ACMG Guidelines, 2015. Collection method: clinical testing. Allele origin: germline.

Labcorp Genetics (formerly Invitae), Labcorp
Classification: Benign for Osteogenesis imperfecta type I; Ehlers-Danlos syndrome, classic type, 1. Last evaluated: 2024-04-15. Review status: criteria provided, single submitter. Criteria: Invitae Variant Classification Sherloc (09022015). Collection method: clinical testing. Allele origin: germline.

NM_000089.4(COL1A2):c.71-8_71-7dup

Gene: COL1A2 (collagen type I alpha 2 chain; plus strand). Cytogenetic location: 7q21.3.
Variant type: Duplication.
Coding change: c.71-8_71-7dup on transcript NM_000089.4 (MANE Select); 8 bases into the intron before coding-DNA position 71 through 7 bases into the intron before coding-DNA position 71, 2 bases duplicated (TT; older notation c.71-8_71-7dupTT).
Molecular consequence: intron variant.
Genome position (GRCh38, 1-based): chr7:94,397,740-94,397,741, TT duplicated; duplicating any 2 consecutive bases within chr7:94,397,732-94,397,741 gives the same sequence; the c. name uses the placement nearest the transcript's 3' end. VCF-style (leftmost placement, unchanged base first): chr7-94397731-C-CTT. GRCh37 (hg19) VCF-style: chr7-94027043-C-CTT.
Other names: c.71-8_71-7dupTT (NM_000089.4).
Identifiers: ClinVar variation 1639037 (VCV001639037.10), dbSNP rs144776919, ClinGen allele CA4346449.